The following is an entry in ClinVar:

ClinVar aggregate classification (germline): Uncertain significance (1 of 4 stars; one submission).

Conditions:
Chédiak-Higashi syndrome (CHS). Also called: Chediak-Higashi Syndrome. Identifiers: Orphanet 167, MedGen C0007965, MONDO:0008963, OMIM 214500.

gnomAD v4.1: 14 of 1,613,994 alleles (0.00087%); highest among the groups gnomAD compares: Non-Finnish European, 0.0011%; no homozygotes.

Submission:

Labcorp Genetics (formerly Invitae), Labcorp
Classification: Uncertain significance for Chédiak-Higashi syndrome. Last evaluated: 2025-11-05. Review status: criteria provided, single submitter. Criteria: Invitae Variant Classification Sherloc (09022015). Collection method: clinical testing. Allele origin: germline.
Comment: This sequence change replaces glycine, which is neutral and non-polar, with glutamic acid, which is acidic and polar, at codon 232 of the LYST protein (p.Gly232Glu). This variant is present in population databases (no rsID available, gnomAD 0.0009%). This variant has not been reported in the literature in individuals affected with LYST-related conditions. ClinVar contains an entry for this variant (Variation ID: 1429794). Invitae Evidence Modeling of protein sequence and biophysical properties (such as structural, functional, and spatial information, amino acid conservation, physicochemical variation, residue mobility, and thermodynamic stability) indicates that this missense variant is not expected to disrupt LYST protein function with a negative predictive value of 80%. In summary, the available evidence is currently insufficient to determine the role of this variant in disease. Therefore, it has been classified as a Variant of Uncertain Significance.

NM_000081.4(LYST):c.695G>A (p.Gly232Glu)

Gene: LYST (lysosomal trafficking regulator; minus strand). Cytogenetic location: 1q42.3.
Variant type: single nucleotide variant.
Coding change: c.695G>A on transcript NM_000081.4 (MANE Select); coding-DNA position 695, G replaced by A.
Protein change: p.Gly232Glu; replaces glycine 232 with glutamic acid.
Molecular consequence: missense variant.
Genome position (GRCh38, 1-based): chr1:235,810,123, C>T on the plus strand (G>A on the coding strand, the complement: LYST is on the minus strand). VCF-style: chr1-235810123-C-T. GRCh37 (hg19) VCF-style: chr1-235973423-C-T.
Other names: c.695G>A, p.Gly232Glu (NM_001301365.1); short protein forms G232E.
Identifiers: ClinVar variation 1429794 (VCV001429794.4), dbSNP rs770837885, ClinGen allele CA344964630.